The following is an entry in ClinVar:

ClinVar aggregate classification (germline): Uncertain significance (1 of 4 stars; one submission).

Submission:

GeneDx
Classification: Uncertain significance. Last evaluated: 2024-05-24. Review status: criteria provided, single submitter. Criteria: GeneDx Variant Classification Process June 2021. Collection method: clinical testing. Allele origin: germline. Affected: yes.
Comment: Not observed at significant frequency in large population cohorts (gnomAD); In silico analysis indicates that this missense variant does not alter protein structure/function; Has not been previously published as pathogenic or benign to our knowledge

NM_014712.3(SETD1A):c.3775C>G (p.Leu1259Val)

Gene: SETD1A (SET domain containing 1A, histone lysine methyltransferase; plus strand). Cytogenetic location: 16p11.2.
Variant type: single nucleotide variant.
Coding change: c.3775C>G on transcript NM_014712.3 (MANE Select); coding-DNA position 3775, C replaced by G.
Protein change: p.Leu1259Val; replaces leucine 1259 with valine.
Molecular consequence: missense variant.
Genome position (GRCh38, 1-based): chr16:30,979,561, C>G. VCF-style: chr16-30979561-C-G. GRCh37 (hg19) VCF-style: chr16-30990882-C-G.
Other names: short protein forms L1259V.
Identifiers: ClinVar variation 3381333 (VCV003381333.1).